The following is an entry in ClinVar:

ClinVar aggregate classification (germline): Conflicting classifications of pathogenicity. Review status: criteria provided, conflicting classifications (1 of 4 stars). 2 submissions from 2 submitters: Likely pathogenic (1); Uncertain significance (1). Last evaluated 2019-08-02.

Conditions:
Neurofibromatosis, type 1 (NF1). Also called: Peripheral type neurofibromatosis; VON RECKLINGHAUSEN DISEASE; Neurofibromatosis, type I; NEUROFIBROMATOSIS, TYPE I, SOMATIC. Identifiers: Orphanet 636, MedGen C0027831, MONDO:0018975, OMIM 162200. Disease mechanism: loss of function.

Submissions (2):

Labcorp Genetics (formerly Invitae), Labcorp
Classification: Uncertain significance for Neurofibromatosis, type 1. Last evaluated: 2019-08-02. Review status: criteria provided, single submitter. Criteria: Invitae Variant Classification Sherloc (09022015). Collection method: clinical testing. Allele origin: germline.
Comment: Algorithms developed to predict the effect of missense changes on protein structure and function are either unavailable or do not agree on the potential impact of this missense change (SIFT: "Deleterious"; PolyPhen-2: "Probably Damaging"; Align-GVGD: "Class C0"). In summary, the available evidence is currently insufficient to determine the role of this variant in disease. Therefore, it has been classified as a Variant of Uncertain Significance. This variant has not been reported in the literature in individuals with NF1-related conditions. This variant is not present in population databases (ExAC no frequency). This sequence change replaces tryptophan with glycine at codon 1810 of the NF1 protein (p.Trp1810Gly). The tryptophan residue is moderately conserved and there is a large physicochemical difference between tryptophan and glycine.

Juno Genomics, Hangzhou Juno Genomics, Inc
Classification: Likely pathogenic for Neurofibromatosis, type 1. Review status: criteria provided, single submitter. Criteria: ACMG Guidelines, 2015. Collection method: clinical testing. Allele origin: germline. Affected: yes.
Comment: Absent from controls (or at extremely low frequency if recessive) in Genome Aggregation Database, Exome Sequencing Project, 1000 Genomes Project, or Exome Aggregation Consortium.;Multiple lines of computational evidence support a deleterious effect on the gene or gene product (conservation, evolutionary, splicing impact, etc).;Patient's phenotype or family history is highly specific for a disease with a single genetic etiology.

NM_001042492.3(NF1):c.5491T>G (p.Trp1831Gly)

Gene: NF1 (neurofibromin 1; plus strand). Cytogenetic location: 17q11.2.
Variant type: single nucleotide variant.
Coding change: c.5491T>G on transcript NM_001042492.3 (MANE Select); coding-DNA position 5491, T replaced by G.
Protein change: p.Trp1831Gly; replaces tryptophan 1831 with glycine.
Molecular consequence: missense variant.
Genome position (GRCh38, 1-based): chr17:31,327,721, T>G. VCF-style: chr17-31327721-T-G. GRCh37 (hg19) VCF-style: chr17-29654739-T-G.
Other names: c.5428T>G, p.Trp1810Gly (NM_000267.4); short protein forms W1831G, W1810G.
Identifiers: ClinVar variation 935460 (VCV000935460.8), dbSNP rs2069382435, ClinGen allele CA399009570.
Genomic context (GRCh38, chr17:31,327,721, plus strand): 5'-ACCTTCATGCACCAGGAGTGTGAAGCCATTGTCCAGTCTATCATTCATATCCGGACCCGC[T>G]GGGAACTGTCACAGCCCGACTCTATCCCCCAACACACCAAGATTCGGCCAAAAGATGTCC-3'
Protein context (NP_001035957.1, residues 1821-1841): VQSIIHIRTR[Trp1831Gly]ELSQPDSIPQ